The following is an entry in ClinVar:

ClinVar aggregate classification (germline): Uncertain significance. Review status: criteria provided, multiple submitters, no conflicts (2 of 4 stars). 2 submissions from 2 submitters: Uncertain significance (2). Last evaluated 2024-08-01.

Conditions:
Familial adenomatous polyposis 1 (FAP1). Also called: FAMILIAL ADENOMATOUS POLYPOSIS 1, ATTENUATED; POLYPOSIS, ADENOMATOUS INTESTINAL. Identifiers: MedGen C2713442, MONDO:0021056, OMIM 175100. Disease mechanism: loss of function.
Hereditary cancer-predisposing syndrome. Also called: Tumor predisposition; Hereditary neoplastic syndrome; Hereditary Cancer Syndrome; Neoplastic Syndromes, Hereditary. Identifiers: Orphanet 140162, MedGen C0027672, MeSH D009386, MONDO:0015356.

Submissions (2):

Ambry Genetics
Classification: Uncertain significance for Hereditary cancer-predisposing syndrome. Last evaluated: 2024-08-01. Review status: criteria provided, single submitter. Criteria: Ambry Variant Classification Scheme 2023. Collection method: clinical testing. Allele origin: germline.

Labcorp Genetics (formerly Invitae), Labcorp
Classification: Uncertain significance for Familial adenomatous polyposis 1. Last evaluated: 2023-08-11. Review status: criteria provided, single submitter. Criteria: Invitae Variant Classification Sherloc (09022015). Collection method: clinical testing. Allele origin: germline.
Comment: In summary, the available evidence is currently insufficient to determine the role of this variant in disease. Therefore, it has been classified as a Variant of Uncertain Significance. This sequence change replaces proline, which is neutral and non-polar, with alanine, which is neutral and non-polar, at codon 1373 of the APC protein (p.Pro1373Ala). This variant is not present in population databases (gnomAD no frequency). This variant has not been reported in the literature in individuals affected with APC-related conditions. Advanced modeling of protein sequence and biophysical properties (such as structural, functional, and spatial information, amino acid conservation, physicochemical variation, residue mobility, and thermodynamic stability) performed at Invitae indicates that this missense variant is not expected to disrupt APC protein function.

NM_000038.6(APC):c.4117C>G (p.Pro1373Ala)

Gene: APC (APC regulator of Wnt signaling pathway; plus strand). Cytogenetic location: 5q22.2.
Variant type: single nucleotide variant.
Coding change: c.4117C>G on transcript NM_000038.6 (MANE Select); coding-DNA position 4117, C replaced by G.
Protein change: p.Pro1373Ala; replaces proline 1373 with alanine.
Molecular consequence: missense variant. On other transcripts: non-coding transcript variant (2).
Genome position (GRCh38, 1-based): chr5:112,839,711, C>G. VCF-style: chr5-112839711-C-G. GRCh37 (hg19) VCF-style: chr5-112175408-C-G.
Other names: c.4117C>G (NM_000038.5); c.4117C>G, p.Pro1373Ala (NM_001127510.3, NM_001354895.2, NM_001407450.1); c.4063C>G, p.Pro1355Ala (NM_001127511.3); c.4171C>G, p.Pro1391Ala (NM_001354896.2, NM_001407447.1, NM_001407448.1 and 1 more transcripts); c.4147C>G, p.Pro1383Ala (NM_001354897.2); c.4042C>G, p.Pro1348Ala (NM_001354898.2); c.4033C>G, p.Pro1345Ala (NM_001354899.2); c.3994C>G, p.Pro1332Ala (NM_001354900.2); and 12 more; short protein forms P1213A, P1272A, P1290A, P1373A, P989A, P1355A, P1383A, P1401A.
Identifiers: ClinVar variation 2990472 (VCV002990472.4), dbSNP rs1580644187, ClinGen allele CA16030348.